The following is an entry in ClinVar:

ClinVar aggregate classification (germline): Uncertain significance (1 of 4 stars; one submission).

Conditions:
SYNE2-related disorder. Also called: SYNE2-related condition.

gnomAD v4.1: 2 of 1,614,182 alleles (0.00012%); highest among the groups gnomAD compares: Non-Finnish European, 0.00017%; no homozygotes.

Submission:

PreventionGenetics, part of Exact Sciences
Classification: Uncertain significance for SYNE2-related condition. Last evaluated: 2026-08-10. Review status: criteria provided, single submitter. Criteria: ACMG Guidelines, 2015. Collection method: clinical testing. Allele origin: germline.
Comment: The SYNE2 c.4091A>C variant is predicted to result in the amino acid substitution p.Glu1364Ala. To our knowledge, this variant has not been reported in the literature. This variant is reported in 0.00089% of alleles in individuals of European (Non-Finnish) descent in gnomAD. At this time, the clinical significance of this variant is uncertain due to the absence of conclusive functional and genetic evidence.

NM_182914.3(SYNE2):c.4091A>C (p.Glu1364Ala)

Gene: SYNE2 (spectrin repeat containing nuclear envelope protein 2; plus strand). Cytogenetic location: 14q23.2.
Variant type: single nucleotide variant.
Coding change: c.4091A>C on transcript NM_182914.3 (MANE Select); coding-DNA position 4091, A replaced by C.
Protein change: p.Glu1364Ala; replaces glutamic acid 1364 with alanine.
Molecular consequence: missense variant.
Genome position (GRCh38, 1-based): chr14:64,003,024, A>C. VCF-style: chr14-64003024-A-C. GRCh37 (hg19) VCF-style: chr14-64469742-A-C.
Other names: c.4091A>C, p.Glu1364Ala (NM_015180.6); short protein forms E1364A.
Identifiers: ClinVar variation 4995476 (VCV004995476.1).
Genomic context (GRCh38, chr14:64,003,024, plus strand): 5'-ACCTTTCAGCCTCAGATACACAGGTGGCACAAGAAAATACGTTGACAGTAAAAAATAAAG[A>C]GGGAGAAATTCATCTGATGAAAGACAAGGCCAAACATTTGGATAAATGTTTGAAGATGCT-3'
Protein context (NP_878918.2, residues 1354-1374): QENTLTVKNK[Glu1364Ala]GEIHLMKDKA